The following is an entry in ClinVar:

ClinVar aggregate classification (germline): Pathogenic (1 of 4 stars; one submission).

Conditions:
Multiple sulfatase deficiency (MSD). Also called: Mucosulfatidosis; Multiple Sulfatase Deficiency Disease; Sulfatidosis, Juvenile, Austin Type. Identifiers: Orphanet 585, MedGen C0268263, MONDO:0010088, OMIM 272200.

Submission:

Myriad Genetics, Inc.
Classification: Pathogenic for Multiple sulfatase deficiency. Last evaluated: 2024-05-14. Review status: criteria provided, single submitter. Criteria: Myriad Autosomal Dominant, Autosomal Recessive and X-Linked Classification Criteria (2023). Collection method: clinical testing. Allele origin: unknown.
Comment: NM_182760.3(SUMF1):c.199del1ins15(A67Sfs*47) is expected to be pathogenic in the context of multiple sulfatase deficiency. This variant is predicted to lead to an abnormal or absent protein product due to the creation of a premature termination codon in SUMF1, a gene where loss-of-function variants are known to be pathogenic. Please note: this variant was assessed in the context of healthy population screening.

NM_182760.4(SUMF1):c.199delinsTCCCGGAGCGTTAGC (p.Ala67fs)

Genes: SUMF1 (sulfatase modifying factor 1; minus strand), LOC129936056 (ATAC-STARR-seq lymphoblastoid silent region 14016; plus strand). Cytogenetic location: 3p26.1.
Variant type: Indel.
Coding change: c.199delinsTCCCGGAGCGTTAGC on transcript NM_182760.4 (MANE Select); coding-DNA position 199, G replaced by TCCCGGAGCGTTAGC.
Protein change: p.Ala67fs; shifts the reading frame from alanine 67.
Molecular consequence: frameshift variant.
Genome position (GRCh38, 1-based): chr3:4,467,047, C replaced by GCTAACGCTCCGGGA on the plus strand (G replaced by TCCCGGAGCGTTAGC on the coding strand, the reverse complement: SUMF1 is on the minus strand). VCF-style: chr3-4467047-C-GCTAACGCTCCGGGA. GRCh37 (hg19) VCF-style: chr3-4508731-C-GCTAACGCTCCGGGA.
Other names: c.199delinsTCCCGGAGCGTTAGC, p.Ala67fs (NM_001164674.2, NM_001164675.2); short protein forms A67fs.
Identifiers: ClinVar variation 5011118 (VCV005011118.1).
Genomic context (GRCh38, chr3:4,467,047, plus strand): 5'-CGAGTTGCCGCTCTCCGGGTACGGGGCCCGGAGCGTTAGCCTCCCGCGAGTATCGGTGAG[C>GCTAACGCTCCGGGA]GGCTGCCGAACTGCCATGGGCGCCAGGCCGCTGGGGCGTGCCGCAGCCGCAAGAACCCGC-3'